The following is an entry in ClinVar:

NM_001035.3(RYR2):c.9938A>G (p.Gln3313Arg)

Gene: RYR2 (ryanodine receptor 2; plus strand). Cytogenetic location: 1q43.
Variant type: single nucleotide variant.
Coding change: c.9938A>G on transcript NM_001035.3 (MANE Select); coding-DNA position 9938, A replaced by G.
Protein change: p.Gln3313Arg; replaces glutamine 3313 with arginine.
Molecular consequence: missense variant.
Genome position (GRCh38, 1-based): chr1:237,708,894, A>G. VCF-style: chr1-237708894-A-G. GRCh37 (hg19) VCF-style: chr1-237872194-A-G.
Other names: short protein forms Q3313R.
Identifiers: ClinVar variation 3385824 (VCV003385824.1).
Genomic context (GRCh38, chr1:237,708,894, plus strand): 5'-ATACTAATGTCTGTCTTTAAACAGTGTTTTCCCAGCCTATAATAAATAAAGTGAAACCTC[A>G]GCTCTTGAAAACTCATTTCTTGCCGTTAATGGAGAAACTCAAGAAAAAGGCAGCTACGGT-3'
Protein context (NP_001026.2, residues 3303-3323): SQPIINKVKP[Gln3313Arg]LLKTHFLPLM

ClinVar aggregate classification (germline): Uncertain significance (1 of 4 stars; one submission).

Conditions:
Catecholaminergic polymorphic ventricular tachycardia (CVPT). Also called: Catecholamine-induced polymorphic ventricular tachycardia. Identifiers: Orphanet 3286, MedGen C5574922, MONDO:0017990.

Submission:

All of Us Research Program, National Institutes of Health
Classification: Uncertain significance for Catecholaminergic polymorphic ventricular tachycardia. Last evaluated: 2024-03-05. Review status: criteria provided, single submitter. Criteria: ACMG Guidelines, 2015. Collection method: clinical testing. Allele origin: germline. Inheritance: Autosomal dominant inheritance. Observed: 1 variant allele, 1 heterozygote.
Comment: This study involves interpretation of variants in research participants for the purpose of population health screening. Participant phenotype was not available at the time of variant classification. Additional details can be found in publication PMID: 35346344, PMCID: PMC8962531